The following is an entry in ClinVar:

ClinVar aggregate classification (germline): Likely pathogenic (1 of 4 stars; one submission).

Conditions:
Hermansky-Pudlak syndrome 2 (HPS2). Also called: Platelet defects and oculocutaneous albinism. Identifiers: Orphanet 183678, Orphanet 79430, MedGen C1842362, MONDO:0011997, OMIM 608233.

Submission:

3billion
Classification: Likely pathogenic for Hermansky-Pudlak syndrome 2. Last evaluated: 2025-09-02. Review status: criteria provided, single submitter. Criteria: ACMG Guidelines, 2015. Collection method: clinical testing. Allele origin: germline. Affected: yes.
Comment: The variant is not observed in the gnomAD v4.1.0 dataset. Predicted Consequence/Location: Canonical splice site: predicted to alter splicing and result in a loss or disruption of normal protein function. Multiple pathogenic loss-of-function variants are reported downstream of the variant. In silico tools predict the variant to alter splicing and produce an abnormal transcript [SpliceAI: 0.99 (spliceogenicity >=0.2, non-spliceogenicity <0.1)]. Therefore, this variant is classified as Likely pathogenic according to the recommendation of ACMG/AMP guideline.

NM_003664.5(AP3B1):c.522_536+81del

Gene: AP3B1 (adaptor related protein complex 3 subunit beta 1; minus strand). Cytogenetic location: 5q14.1.
Variant type: Deletion.
Coding change: c.522_536+81del on transcript NM_003664.5 (MANE Select); coding-DNA position 522 through 81 bases into the intron after coding-DNA position 536, 96 bases deleted.
Molecular consequence: splice donor variant.
Genome position (GRCh38, 1-based): chr5:78,227,291-78,227,386, 96 bases deleted. GRCh37 (hg19): chr5:77,523,115-77,523,210.
Other names: c.375_389+81del (NM_001271769.2); c.522_536+81del (NM_001410752.1).
Identifiers: ClinVar variation 4854667 (VCV004854667.1).